The following is an entry in ClinVar:

NM_000075.4(CDK4):c.759G>A (p.Gly253=)

Genes: CDK4 (cyclin dependent kinase 4; minus strand), TSPAN31 (tetraspanin 31; plus strand). Cytogenetic location: 12q14.1.
Variant type: single nucleotide variant.
Coding change: c.759G>A on transcript NM_000075.4 (MANE Select); coding-DNA position 759, G replaced by A.
Protein change: p.Gly253=; no amino-acid change (glycine 253 retained).
Molecular consequence: synonymous variant. On other transcripts: 3 prime UTR variant (3).
Genome position (GRCh38, 1-based): chr12:57,749,242, C>T on the plus strand (G>A on the coding strand, the complement: CDK4 is on the minus strand). VCF-style: chr12-57749242-C-T. GRCh37 (hg19) VCF-style: chr12-58143025-C-T.
Other names: c.*1952C>T (NM_001330168.2, NM_001330169.2, NM_005981.5).
Identifiers: ClinVar variation 3378475 (VCV003378475.1).
Genomic context (GRCh38, chr12:57,749,242, plus strand): 5'-CAGCAGCAGCTGTGCTCCCGACTCCTCCATCTCAGGTACCACCGACTGCACTGGGCGGGG[C>T]CCTCTGGGGGGAAAGGCTCCACGGGGCAGGGATACATCTCGAGGCCAGTCATCCTCTGGA-3'
Protein context (NP_000066.1, residues 243-263): SLPRGAFPPR[Gly253=]PRPVQSVVPE

ClinVar aggregate classification (germline): Benign (1 of 4 stars; one submission).

Conditions:
Melanoma, cutaneous malignant, susceptibility to, 3. Also called: Cutaneous malignant melanoma 3. Identifiers: Orphanet 618, MedGen C1836892, MONDO:0012183, OMIM 609048.

Submission:

Myriad Genetics, Inc.
Classification: Benign for Melanoma, cutaneous malignant, susceptibility to, 3. Last evaluated: 2024-09-26. Review status: criteria provided, single submitter. Criteria: Myriad Autosomal Dominant, Autosomal Recessive and X-Linked Classification Criteria (2023). Collection method: clinical testing. Allele origin: unknown.
Comment: This variant is considered benign. This variant is a silent/synonymous amino acid change and it is not expected to impact splicing.